The following is an entry in ClinVar:

NM_007294.4(BRCA1):c.5445G>A (p.Trp1815Ter)

Gene: BRCA1 (BRCA1 DNA repair associated; minus strand). Cytogenetic location: 17q21.31.
Variant type: single nucleotide variant.
Coding change: c.5445G>A on transcript NM_007294.4 (MANE Select); coding-DNA position 5445, G replaced by A.
Protein change: p.Trp1815Ter; replaces tryptophan 1815 with a stop codon.
Molecular consequence: nonsense. On other transcripts: missense variant (17), non-coding transcript variant (1).
Genome position (GRCh38, 1-based): chr17:43,047,665, C>T on the plus strand (G>A on the coding strand, the complement: BRCA1 is on the minus strand). VCF-style: chr17-43047665-C-T. GRCh37 (hg19) VCF-style: chr17-41199682-C-T.
Other names: 5564G>A; c.2127G>A, p.Trp709Ter (NM_001408407.1, NM_001408408.1, NM_001408406.1); c.2124G>A, p.Trp708Ter (NM_001408409.1); c.2061G>A, p.Trp687Ter (NM_001408410.1); c.2058G>A, p.Trp686Ter (NM_001408411.1); c.2055G>A, p.Trp685Ter (NM_001408412.1, NM_001408413.1, NM_001408414.1 and 2 more transcripts); c.5439G>A, p.Trp1813Ter (NM_001407628.1, NM_001407629.1, NM_001407630.1 and 13 more transcripts); c.5368G>A, p.Asp1790Asn (NM_001407860.1, NM_001407858.1, NM_001407859.1); and 84 more; short protein forms W1815*, D687N, W1836*, W1768*, W711*, D1743N, D1750N, D1789N.
Identifiers: ClinVar variation 55581 (VCV000055581.41), dbSNP rs397509284, ClinGen allele CA003600.

ClinVar aggregate classification (germline): Pathogenic. Review status: reviewed by expert panel (3 of 4 stars). 11 submissions from 11 submitters: Pathogenic (1). 10 of the submissions do not count toward it. Last evaluated 2016-09-08.

Conditions:
Gastric cancer. Also called: Malignant tumor of stomach; Stomach cancer. Identifiers: MedGen C0024623, MeSH D013274, MONDO:0001056, OMIM 613659, HP:0012126.
Hereditary cancer-predisposing syndrome. Also called: Hereditary Cancer Syndrome; Hereditary neoplastic syndrome; Neoplastic Syndromes, Hereditary; Tumor predisposition. Identifiers: Orphanet 140162, MedGen C0027672, MeSH D009386, MONDO:0015356.
Hereditary breast ovarian cancer syndrome. Also called: BRCA1- and BRCA2-Associated Hereditary Breast and Ovarian Cancer; Hereditary breast and ovarian cancer syndrome; Hereditary breast and ovarian cancer syndrome (HBOC); Breast and ovarian cancer; Hereditary breast and/or ovarian cancer syndrome; Hereditary breast and ovarian cancer. Identifiers: Orphanet 145, MedGen C0677776, MeSH D061325, MONDO:0003582. Disease mechanism: loss of function.
Breast-ovarian cancer, familial, susceptibility to, 1 (BROVCA1). Also called: BRCA1 Hereditary Breast and Ovarian Cancer; OVARIAN CANCER, SUSCEPTIBILITY TO. Identifiers: Orphanet 145, MedGen C2676676, MONDO:0011450, OMIM 604370. Disease mechanism: loss of function.

Allele frequency attached by ClinVar (database versions not stated): gnomAD exomes below 0.00001; ExAC 0.00001.

Submissions (12):

Evidence-based Network for the Interpretation of Germline Mutant Alleles (ENIGMA)
Classification: Pathogenic for Breast-ovarian cancer, familial, susceptibility to, 1. Last evaluated: 2016-09-08. Review status: reviewed by expert panel. Criteria: ENIGMA BRCA1/2 Classification Criteria (2015). Collection method: curation. Allele origin: germline.
Comment: Variant allele predicted to encode a truncated non-functional protein.

Dasa
Classification: Pathogenic for Breast-ovarian cancer, familial, susceptibility to, 1. Last evaluated: 2026-04-13. Review status: criteria provided, single submitter. Criteria: DASA Assertion Criteria. Collection method: clinical testing. Allele origin: germline. Not counted in ClinVar's aggregate classification.
Comment: NM_007294.4(BRCA1):c.5445G>A (p.Trp1815*) introduces a premature termination codon predicted to result in loss of normal protein function. Loss-of-function is an established mechanism of disease for this gene. The variant is present at low frequency in population datasets. Based on the available data, this variant is classified as pathogenic.

Labcorp Genetics (formerly Invitae), Labcorp
Classification: Pathogenic for Hereditary breast ovarian cancer syndrome. Last evaluated: 2025-11-02. Review status: criteria provided, single submitter. Criteria: Invitae Variant Classification Sherloc (09022015). Collection method: clinical testing. Allele origin: germline. Not counted in ClinVar's aggregate classification.
Comment: This sequence change creates a premature translational stop signal (p.Trp1815*) in the BRCA1 gene. While this is not anticipated to result in nonsense mediated decay, it is expected to disrupt the last 49 amino acid(s) of the BRCA1 protein. This variant is not present in population databases (gnomAD no frequency). This premature translational stop signal has been observed in individual(s) with breast and/or ovarian cancer (PMID: 15365993, 28205045, 28724667, 28831036, 29446198). This variant is also known as 5564G>A. ClinVar contains an entry for this variant (Variation ID: 55581). Algorithms developed to predict the effect of sequence changes on RNA splicing suggest that this variant may disrupt the consensus splice site. This variant disrupts a region of the BRCA1 protein in which other variant(s) (p.Tyr1853*) have been determined to be pathogenic (PMID: 12400015, 21922593). This suggests that this is a clinically significant region of the protein, and that variants that disrupt it are likely to be disease-causing. For these reasons, this variant has been classified as Pathogenic.

Myriad Genetics, Inc.
Classification: Pathogenic for Breast-ovarian cancer, familial, susceptibility to, 1. Last evaluated: 2023-05-04. Review status: criteria provided, single submitter. Criteria: Myriad Autosomal Dominant, Autosomal Recessive and X-Linked Classification Criteria (2023). Collection method: clinical testing. Allele origin: unknown. Not counted in ClinVar's aggregate classification.
Comment: This variant is considered pathogenic. This variant creates a termination codon and is predicted to result in premature protein truncation.

Ambry Genetics
Classification: Pathogenic for Hereditary cancer-predisposing syndrome. Last evaluated: 2022-08-26. Review status: criteria provided, single submitter. Criteria: Ambry Variant Classification Scheme 2023. Collection method: clinical testing. Allele origin: germline. Not counted in ClinVar's aggregate classification.
Comment: The p.W1815* pathogenic mutation (also known as c.5445G>A), located in coding exon 21 of the BRCA1 gene, results from a G to A substitution at nucleotide position 5445. This changes the amino acid from a tryptophan to a stop codon within coding exon 21. This alteration occurs at the 3' terminus of theBRCA1 gene, is not expected to trigger nonsense-mediated mRNA decay, and only impacts the last 49 amino acids of the protein. However, premature stop codons are typically deleterious in nature and the impacted region is critical for protein function (Ambry internal data). This mutation has been detected in numerous breast/ovarian cancer patients and is recurrent in high-risk Korean cohorts (Seo JH et al. Hum. Mutat. 2004 Oct;24(4):350; Jang JH et al. J. Hum. Genet. 2012 Mar;57(3):212-5; Kim H et al. Breast Cancer Res. Treat. 2012 Aug;134(3):1315-26; Kang E et al. Breast Cancer Res. Treat. 2015 May;151(1):157-68; Maxwell KN et al. Nat Commun, 2017 08;8:319; Sun J et al. Clin. Cancer Res., 2017 Oct;23:6113-6119). This alteration was identified in a large, worldwide study of BRCA1/2 mutation positive families (Rebbeck TR et al. Hum. Mutat. 2018 05;39:593-620). One functional study found that this nucleotide substitution is deleterious in a high throughput genome editing haploid cell survival assay (Findlay GM et al. Nature. 2018 10;562:217-222). Based on the supporting evidence, this alteration is interpreted as a disease-causing mutation.

Color Diagnostics, LLC DBA Color Health
Classification: Pathogenic for Hereditary cancer-predisposing syndrome. Last evaluated: 2020-01-15. Review status: criteria provided, single submitter. Criteria: ACMG Guidelines, 2015. Collection method: clinical testing. Allele origin: germline. Not counted in ClinVar's aggregate classification.
Comment: This variant changes 1 nucleotide in exon 22 of the BRCA1 gene, creating a premature translation stop signal. This variant is expected to result in an absent or non-functional protein product. This variant has been identified in 1/251490 chromosomes in the general population by the Genome Aggregation Database (gnomAD). Loss of BRCA1 function is a known mechanism of disease. Based on the available evidence, this variant is classified as Pathogenic.

Consortium of Investigators of Modifiers of BRCA1/2 (CIMBA), c/o University of Cambridge
Classification: Pathogenic for Breast-ovarian cancer, familial, susceptibility to, 1. Last evaluated: 2015-10-02. Review status: criteria provided, single submitter. Criteria: CIMBA Mutation Classification guidelines May 2016. Collection method: clinical testing. Allele origin: germline. Not counted in ClinVar's aggregate classification.

Laboratory for Genotyping Development, RIKEN
Classification: Pathogenic for Gastric cancer. Last evaluated: 2021-07-01. Review status: no assertion criteria provided. Collection method: research. Allele origin: germline. Not counted in ClinVar's aggregate classification.

Counsyl
Classification: Pathogenic for Breast-ovarian cancer, familial, susceptibility to, 1. Last evaluated: 2018-04-29. Review status: no assertion criteria provided. Collection method: clinical testing. Allele origin: unknown. Not counted in ClinVar's aggregate classification.

Research Molecular Genetics Laboratory, Women's College Hospital, University of Toronto
Classification: Pathogenic for Hereditary breast ovarian cancer syndrome. Last evaluated: 2014-01-31. Review status: no assertion criteria provided. Collection method: research. Allele origin: germline. Affected: yes. Study: The Canadian Open Genetics Repository (COGR). Not counted in ClinVar's aggregate classification.

Sharing Clinical Reports Project (SCRP)
Classification: Pathogenic for Breast-ovarian cancer, familial 1. Last evaluated: 2010-12-15. Review status: no assertion criteria provided. Collection method: clinical testing. Allele origin: germline. Not counted in ClinVar's aggregate classification.

Brotman Baty Institute, University of Washington
No classification provided (evidence only). Condition: Breast-ovarian cancer, familial 1. Review status: no classification provided. Collection method: in vitro. Allele origin: not applicable. Functional consequence: functionally_abnormal. Not counted in ClinVar's aggregate classification.
ClinVar note: "not provided" was previously submitted as the classification for the variant. However, the classification appeared to be based only on an observation of functional data so it was converted to no classification on 2025-07-30.

Literature cited by the submitters: PubMed 15365993 (cited by Labcorp Genetics (formerly Invitae), Labcorp and Ambry Genetics); PubMed 28205045 (cited by Labcorp Genetics (formerly Invitae), Labcorp); PubMed 28724667 (cited by Labcorp Genetics (formerly Invitae), Labcorp and Ambry Genetics); PubMed 28831036 (cited by Labcorp Genetics (formerly Invitae), Labcorp and Ambry Genetics); PubMed 29446198 (cited by Labcorp Genetics (formerly Invitae), Labcorp and Ambry Genetics); PubMed 12400015 (cited by Labcorp Genetics (formerly Invitae), Labcorp); PubMed 21922593 (cited by Labcorp Genetics (formerly Invitae), Labcorp); PubMed 22217648 (cited by Ambry Genetics); PubMed 22798144 (cited by Ambry Genetics); PubMed 25863477 (cited by Ambry Genetics and Counsyl); PubMed 30209399 (cited by Ambry Genetics); PubMed 36988593 (cited by Laboratory for Genotyping Development, RIKEN); PubMed 25400221 (cited by Counsyl); PubMed 27062684 (cited by Counsyl).